The following is an entry in ClinVar:

NM_001134407.3(GRIN2A):c.1970_1978delinsT (p.Glu657fs)

Gene: GRIN2A (glutamate ionotropic receptor NMDA type subunit 2A; minus strand). Cytogenetic location: 16p13.2.
Variant type: Indel.
Coding change: c.1970_1978delinsT on transcript NM_001134407.3 (MANE Select); coding-DNA positions 1970 to 1978, AATTTGTGG replaced by T.
Protein change: p.Glu657fs; shifts the reading frame from glutamic acid 657.
Molecular consequence: frameshift variant.
Genome position (GRCh38, 1-based): chr16:9,829,452-9,829,460, CCACAAATT replaced by A on the plus strand (AATTTGTGG replaced by T on the coding strand, the reverse complement: GRIN2A is on the minus strand). VCF-style: chr16-9829452-CCACAAATT-A. GRCh37 (hg19) VCF-style: chr16-9923309-CCACAAATT-A.
Other names: c.1970_1978delinsT, p.Glu657fs (NM_000833.5, NM_001134408.2); short protein forms E657fs.
Identifiers: ClinVar variation 3375481 (VCV003375481.2).
Genomic context (GRCh38, chr16:9,829,452, plus strand): 5'-TCAGATGGAGAGGAAAGCAAGGTGACCTTACCTTTTTGTCACTGAGGCCGGTCACTTGGT[CCACAAATT>A]CCTCTTGGATCATGAAGGCAGCCAGATTGGCTGTGTAGCTAGCCAGGAATATGACAGCGA-3'

ClinVar aggregate classification (germline): Likely pathogenic (1 of 4 stars; one submission).

Conditions:
Landau-Kleffner syndrome (FESD). Also called: EPILEPSY, FOCAL, WITH SPEECH DISORDER AND WITH OR WITHOUT MENTAL RETARDATION; APHASIA, ACQUIRED, WITH EPILEPSY. Identifiers: Orphanet 1945, Orphanet 725, Orphanet 98818, MedGen C0282512, MONDO:0009509, OMIM 245570.

Submission:

Equipe Genetique des Anomalies du Developpement, Université de Bourgogne
Classification: Likely pathogenic for Landau-Kleffner syndrome. Last evaluated: 2024-08-22. Review status: criteria provided, single submitter. Criteria: ACMG Guidelines, 2015. Collection method: clinical testing. Allele origin: germline. Affected: yes.
Comment: This variant is a delins at position c.1970_1978, predicted to result in a frameshift and premature stop codon after 8 aa. It likely results in an absent or disrupted protein product. Monoallelic GRIN2A variants are linked to an autosomal dominant form of focal epilepsy with speech disorder, with or without impaired intellectual development (OMIM #245570). This variant is not present in population database gnomAD (v4.1.0). It has not been reported in ClinVar. It has not been reported in literature. Based on the evidence outlined above, the variant was classified as likely pathogenic.